The following is an entry in ClinVar:

ClinVar aggregate classification (germline): Benign. Review status: criteria provided, multiple submitters, no conflicts (2 of 4 stars). 2 submissions from 2 submitters: Benign (2). Last evaluated 2018-06-14.

Allele frequency attached by ClinVar (database versions not stated): 1000 Genomes Project 0.01837; TOPMed 0.01891; 1000 Genomes Project 30x 0.01952.
gnomAD v4.1: 4,827 of 1,585,168 alleles (0.3%); highest among the groups gnomAD compares: African/African-American, 5.7%; 142 homozygotes.

Submissions (2):

GeneDx
Classification: Benign. Last evaluated: 2018-06-14. Review status: criteria provided, single submitter. Criteria: GeneDx Variant Classification (06012015). Collection method: clinical testing. Allele origin: germline. Affected: yes.
Comment: This variant is considered likely benign or benign based on one or more of the following criteria: it is a conservative change, it occurs at a poorly conserved position in the protein, it is predicted to be benign by multiple in silico algorithms, and/or has population frequency not consistent with disease.

Breakthrough Genomics
Classification: Benign. Review status: criteria provided, single submitter. Criteria: ACMG Guidelines, 2015. Collection method: not provided. Allele origin: germline. Inheritance: Autosomal dominant inheritance. Affected: yes.

NM_000368.5(TSC1):c.1263+106G>A

Gene: TSC1 (TSC complex subunit 1; minus strand). Cytogenetic location: 9q34.13.
Variant type: single nucleotide variant.
Coding change: c.1263+106G>A on transcript NM_000368.5 (MANE Select); 106 bases into the intron after coding-DNA position 1263, G replaced by A.
Molecular consequence: intron variant.
Genome position (GRCh38, 1-based): chr9:132,910,465, C>T on the plus strand (G>A on the coding strand, the complement: TSC1 is on the minus strand). VCF-style: chr9-132910465-C-T. GRCh37 (hg19) VCF-style: chr9-135785852-C-T.
Other names: c.900+106G>A (NM_001362177.2); c.1110+106G>A (NM_001162427.2); c.1260+106G>A (NM_001162426.2).
Identifiers: ClinVar variation 675964 (VCV000675964.2), dbSNP rs113308027, ClinGen allele CA027525.
Genomic context (GRCh38, chr9:132,910,465, plus strand): 5'-GATCACACCTTGAGAGCAGCTTGTTAGTCCATTTTCAATTATTCTGATTCAAACCCATTG[C>T]ATTTTAGGTCAGAATTCTATCTGGCATAATTAGGCTTCTCAAAGTGAGGCTTGCAAGTGA-3'